The following is an entry in ClinVar:

ClinVar aggregate classification (germline): Uncertain significance (1 of 4 stars; one submission).

Submission:

GeneDx
Classification: Uncertain significance. Last evaluated: 2025-04-07. Review status: criteria provided, single submitter. Criteria: GeneDx Variant Classification Process June 2021. Collection method: clinical testing. Allele origin: germline. Affected: yes.
Comment: Not observed at significant frequency in large population cohorts (gnomAD); In silico analysis supports that this missense variant has a deleterious effect on protein structure/function; Has not been previously published as pathogenic or benign to our knowledge

NM_001005273.3(CHD3):c.5848T>G (p.Tyr1950Asp)

Gene: CHD3 (chromodomain helicase DNA binding protein 3; plus strand). Cytogenetic location: 17p13.1.
Variant type: single nucleotide variant.
Coding change: c.5848T>G on transcript NM_001005273.3 (MANE Select); coding-DNA position 5848, T replaced by G.
Protein change: p.Tyr1950Asp; replaces tyrosine 1950 with aspartic acid.
Molecular consequence: missense variant. On other transcripts: nonsense (1).
Genome position (GRCh38, 1-based): chr17:7,910,940, T>G. VCF-style: chr17-7910940-T-G. GRCh37 (hg19) VCF-style: chr17-7814258-T-G.
Other names: c.6071T>G, p.Leu2024Ter (NM_001437504.1); c.6013T>G, p.Tyr2005Asp (NM_001437507.1); c.5911T>G, p.Tyr1971Asp (NM_001437508.1); c.6016T>G, p.Tyr2006Asp (NM_001437509.1); c.5746T>G, p.Tyr1916Asp (NM_005852.4); c.6025T>G, p.Tyr2009Asp (NM_001005271.3); short protein forms L2024*, Y1916D, Y1950D, Y1971D, Y2005D, Y2006D, Y2009D.
Identifiers: ClinVar variation 4281908 (VCV004281908.1).